The following is an entry in ClinVar:

NM_015072.5(TTLL5):c.1291C>T (p.Pro431Ser)

Gene: TTLL5 (tubulin tyrosine ligase like 5; plus strand). Cytogenetic location: 14q24.3.
Variant type: single nucleotide variant.
Coding change: c.1291C>T on transcript NM_015072.5 (MANE Select); coding-DNA position 1291, C replaced by T.
Protein change: p.Pro431Ser; replaces proline 431 with serine.
Molecular consequence: missense variant.
Genome position (GRCh38, 1-based): chr14:75,745,104, C>T. VCF-style: chr14-75745104-C-T. GRCh37 (hg19) VCF-style: chr14-76211447-C-T.
Other names: c.1291C>T (NM_015072.4); short protein forms P431S.
Identifiers: ClinVar variation 1351851 (VCV001351851.14), dbSNP rs750993500, ClinGen allele CA7279341.
Genomic context (GRCh38, chr14:75,745,104, plus strand): 5'-TAATGAAAACTTAAAAAATTTTTTTTACTATTTTCATTTTCTTCTCCTTAGCGTTGCCGT[C>T]CACTCTCTGCCAGTGATGCGGAAATGAAAAACCTCGTGGGCTCAGCCCGGGAGAAAGGGC-3'
Protein context (NP_055887.3, residues 421-441): NPFQKPQRCR[Pro431Ser]LSASDAEMKN

ClinVar aggregate classification (germline): Uncertain significance. Review status: criteria provided, multiple submitters, no conflicts (2 of 4 stars). 4 submissions from 4 submitters: Uncertain significance (4). Last evaluated 2025-06-29.

Conditions:
Inborn genetic diseases. Identifiers: MedGen C0950123, MeSH D030342.

Allele frequency attached by ClinVar (database versions not stated): ExAC 0.00002; gnomAD exomes 0.00002.

Submissions (4):

Ambry Genetics
Classification: Uncertain significance for Inborn genetic diseases. Last evaluated: 2025-06-29. Review status: criteria provided, single submitter. Criteria: Ambry Variant Classification Scheme 2023. Collection method: clinical testing. Allele origin: germline.

CeGaT Center for Human Genetics Tuebingen
Classification: Uncertain significance. Last evaluated: 2025-03-01. Review status: criteria provided, single submitter. Criteria: CeGaT Center For Human Genetics Tuebingen Variant Classification Criteria Version 2. Collection method: clinical testing. Allele origin: germline. Affected: yes. Observed: 1 variant allele.
Comment: TTLL5: PM2

Blueprint Genetics
Classification: Uncertain significance. Last evaluated: 2023-11-23. Review status: criteria provided, single submitter. Criteria: ACMG Guidelines, 2015. Collection method: clinical testing. Allele origin: germline.

Labcorp Genetics (formerly Invitae), Labcorp
Classification: Uncertain significance. Last evaluated: 2023-08-04. Review status: criteria provided, single submitter. Criteria: Invitae Variant Classification Sherloc (09022015). Collection method: clinical testing. Allele origin: germline.
Comment: Advanced modeling of protein sequence and biophysical properties (such as structural, functional, and spatial information, amino acid conservation, physicochemical variation, residue mobility, and thermodynamic stability) performed at Invitae indicates that this missense variant is not expected to disrupt TTLL5 protein function. ClinVar contains an entry for this variant (Variation ID: 1351851). This variant has not been reported in the literature in individuals affected with TTLL5-related conditions. This variant is present in population databases (rs750993500, gnomAD 0.004%). This sequence change replaces proline, which is neutral and non-polar, with serine, which is neutral and polar, at codon 431 of the TTLL5 protein (p.Pro431Ser). In summary, the available evidence is currently insufficient to determine the role of this variant in disease. Therefore, it has been classified as a Variant of Uncertain Significance.